The following is an entry in ClinVar:

ClinVar aggregate classification (germline): Uncertain significance. Review status: criteria provided, multiple submitters, no conflicts (2 of 4 stars). 3 submissions from 3 submitters: Uncertain significance (3). Last evaluated 2024-12-09.

Conditions:
Inborn genetic diseases. Identifiers: MedGen C0950123, MeSH D030342.

Allele frequency attached by ClinVar (database versions not stated): gnomAD exomes 0.00002; TOPMed 0.00003; ExAC 0.00006.
gnomAD v4.1: 29 of 1,613,992 alleles (0.0018%); highest among the groups gnomAD compares: Admixed American, 0.018%; 1 homozygote.

Submissions (3):

Labcorp Genetics (formerly Invitae), Labcorp
Classification: Uncertain significance. Last evaluated: 2024-12-09. Review status: criteria provided, single submitter. Criteria: Invitae Variant Classification Sherloc (09022015). Collection method: clinical testing. Allele origin: germline.
Comment: This sequence change replaces alanine, which is neutral and non-polar, with threonine, which is neutral and polar, at codon 223 of the ARHGEF18 protein (p.Ala223Thr). This variant is present in population databases (rs760864454, gnomAD 0.02%). This variant has not been reported in the literature in individuals affected with ARHGEF18-related conditions. ClinVar contains an entry for this variant (Variation ID: 2418479). An algorithm developed to predict the effect of missense changes on protein structure and function (PolyPhen-2) suggests that this variant¬†is likely to be tolerated. In summary, the available evidence is currently insufficient to determine the role of this variant in disease. Therefore, it has been classified as a Variant of Uncertain Significance.

Ambry Genetics
Classification: Uncertain significance for Inborn genetic diseases. Last evaluated: 2023-06-06. Review status: criteria provided, single submitter. Criteria: Ambry Variant Classification Scheme 2023. Collection method: clinical testing. Allele origin: germline.

Blueprint Genetics
Classification: Uncertain significance. Last evaluated: 2022-07-14. Review status: criteria provided, single submitter. Criteria: ACMG Guidelines, 2015. Collection method: clinical testing. Allele origin: germline.

NM_001367823.1(ARHGEF18):c.1231G>A (p.Ala411Thr)

Gene: ARHGEF18 (Rho/Rac guanine nucleotide exchange factor 18; plus strand). Cytogenetic location: 19p13.2.
Variant type: single nucleotide variant.
Coding change: c.1231G>A on transcript NM_001367823.1 (MANE Select); coding-DNA position 1231, G replaced by A.
Protein change: p.Ala411Thr; replaces alanine 411 with threonine.
Molecular consequence: missense variant.
Genome position (GRCh38, 1-based): chr19:7,441,923, G>A. VCF-style: chr19-7441923-G-A. GRCh37 (hg19) VCF-style: chr19-7506809-G-A.
Other names: c.505G>A, p.Ala169Thr (NM_001130955.2); c.193G>A, p.Ala65Thr (NM_001367824.1, NM_015318.4); c.667G>A (NM_001130955.1); short protein forms A169T, A411T, A65T.
Identifiers: ClinVar variation 2418479 (VCV002418479.8), dbSNP rs760864454, ClinGen allele CA9136414.